The following is an entry in ClinVar:

NM_004259.7(RECQL5):c.2213G>A (p.Gly738Asp)

Gene: RECQL5 (RecQ like helicase 5; minus strand). Cytogenetic location: 17q25.1.
Variant type: single nucleotide variant.
Coding change: c.2213G>A on transcript NM_004259.7 (MANE Select); coding-DNA position 2213, G replaced by A.
Protein change: p.Gly738Asp; replaces glycine 738 with aspartic acid.
Molecular consequence: missense variant.
Genome position (GRCh38, 1-based): chr17:75,629,210, C>T on the plus strand (G>A on the coding strand, the complement: RECQL5 is on the minus strand). VCF-style: chr17-75629210-C-T. GRCh37 (hg19) VCF-style: chr17-73625290-C-T.
Other names: short protein forms G738D.
Identifiers: ClinVar variation 3349704 (VCV003349704.1).
Genomic context (GRCh38, chr17:75,629,210, plus strand): 5'-TGGGCCGCTGTGGCTAGGAGCTGCTGTTTCTTGCTAGCCCGGCCCTTGGCAAGGGAGCTG[C>T]CCCCAGAGGAACTTTTTGCCTTCTTCTCAGGGGAGGGCCCCCCATAGTGAGCGCTGCCTC-3'
Protein context (NP_004250.4, residues 728-748): PEKKAKSSSG[Gly738Asp]SSLAKGRASK

ClinVar aggregate classification (germline): Uncertain significance (0 of 4 stars; one submission).

Conditions:
RECQL5-related disorder. Also called: RECQL5-related condition.

gnomAD v4.1: 6 of 1,613,248 alleles (0.00037%); highest among the groups gnomAD compares: African/African-American, 0.0013%; no homozygotes.

Submission:

PreventionGenetics, part of Exact Sciences
Classification: Uncertain significance for RECQL5-related condition. Last evaluated: 2024-05-29. Review status: no assertion criteria provided. Collection method: clinical testing. Allele origin: germline.
Comment: The RECQL5 c.2213G>A variant is predicted to result in the amino acid substitution p.Gly738Asp. To our knowledge, this variant has not been reported in the literature. This variant is reported in 0.0065% of alleles in individuals of African descent in gnomAD. At this time, the clinical significance of this variant is uncertain due to the absence of conclusive functional and genetic evidence.